The following is an entry in ClinVar:

ClinVar aggregate classification (germline): Uncertain significance (1 of 4 stars; one submission).

Submission:

Ambry Genetics
Classification: Uncertain significance. Last evaluated: 2026-08-27. Review status: criteria provided, single submitter. Criteria: Ambry Variant Classification Scheme 2023. Collection method: clinical testing. Allele origin: germline.
Comment: The c.1885_1889delAACAT variant, located in coding exon 14 of the RECQL gene, results from a deletion of 5 nucleotides at nucleotide positions 1885 to 1889, causing a translational frameshift with a predicted alternate stop codon (p.N629Afs*7). This variant occurs at the 3' terminus of the gene and is not expected to trigger nonsense-mediated mRNA decay. The evidence for this gene-disease relationship is limited; therefore, the clinical significance of this variant is unclear.

NM_002907.4(RECQL):c.1885_1889del (p.Asn629fs)

Genes: PYROXD1 (pyridine nucleotide-disulphide oxidoreductase domain 1; plus strand), RECQL (RecQ like helicase; minus strand). Cytogenetic location: 12p12.1.
Variant type: Deletion.
Coding change: c.1885_1889del on transcript NM_002907.4 (MANE Select); coding-DNA positions 1885 to 1889, 5 bases deleted (AACAT; older notation c.1885_1889delAACAT).
Protein change: p.Asn629fs; shifts the reading frame from asparagine 629.
Molecular consequence: frameshift variant. On other transcripts: 3 prime UTR variant (3).
Genome position (GRCh38, 1-based): chr12:21,470,255-21,470,259, ATGTT deleted on the plus strand (AACAT on the coding strand, the reverse complement: RECQL is on the minus strand). VCF-style (leftmost placement, unchanged base first): chr12-21470254-CATGTT-C. GRCh37 (hg19) VCF-style: chr12-21623188-CATGTT-C.
Other names: c.1885_1889del, p.Asn629fs (NM_032941.3); c.*1501_*1505del (NM_001350912.2, NM_001350913.2, NM_024854.5); short protein forms N629fs.
Identifiers: ClinVar variation 2450987 (VCV002450987.3), dbSNP rs2540304967, ClinGen allele CA2580085249.